The following is an entry in ClinVar:

ClinVar aggregate classification (germline): Uncertain significance. Review status: criteria provided, multiple submitters, no conflicts (2 of 4 stars). 5 submissions from 5 submitters: Uncertain significance (4). 1 of the submissions does not count toward it. Last evaluated 2025-12-17.

Conditions:
Hereditary cancer-predisposing syndrome. Also called: Neoplastic Syndromes, Hereditary; Hereditary Cancer Syndrome; Tumor predisposition; Hereditary neoplastic syndrome. Identifiers: Orphanet 140162, MedGen C0027672, MeSH D009386, MONDO:0015356.
Ataxia-telangiectasia syndrome (AT). Also called: Ataxia-telangiectasia, complementation group D; AT, COMPLEMENTATION GROUP C; Ataxia-telangiectasia; ATAXIA-TELANGIECTASIA, COMPLEMENTATION GROUP A; ATAXIA-TELANGIECTASIA, FRESNO VARIANT; Ataxia-telangiectasia, complementation group E. Identifiers: Orphanet 100, MedGen C0004135, MONDO:0008840, OMIM 208900.

Allele frequency attached by ClinVar (database versions not stated): gnomAD exomes 0.00001; TOPMed 0.00001.
gnomAD v4.1: 11 of 1,611,514 alleles (0.00068%); highest among the groups gnomAD compares: Non-Finnish European, 0.00068%; no homozygotes.

Submissions (5):

Labcorp Genetics (formerly Invitae), Labcorp
Classification: Uncertain significance for Ataxia-telangiectasia syndrome. Last evaluated: 2025-12-17. Review status: criteria provided, single submitter. Criteria: Invitae Variant Classification Sherloc (09022015). Collection method: clinical testing. Allele origin: germline.
Comment: This sequence change replaces asparagine, which is neutral and polar, with isoleucine, which is neutral and non-polar, at codon 2106 of the ATM protein (p.Asn2106Ile). This variant is not present in population databases (gnomAD no frequency). This variant has not been reported in the literature in individuals affected with ATM-related conditions. ClinVar contains an entry for this variant (Variation ID: 135768). Invitae Evidence Modeling of protein sequence and biophysical properties (such as structural, functional, and spatial information, amino acid conservation, physicochemical variation, residue mobility, and thermodynamic stability) indicates that this missense variant is not expected to disrupt ATM protein function with a negative predictive value of 95%. In summary, the available evidence is currently insufficient to determine the role of this variant in disease. Therefore, it has been classified as a Variant of Uncertain Significance.

Ambry Genetics
Classification: Uncertain significance for Hereditary cancer-predisposing syndrome. Last evaluated: 2024-09-03. Review status: criteria provided, single submitter. Criteria: Ambry Variant Classification Scheme 2023. Collection method: clinical testing. Allele origin: germline.
Comment: The p.N2106I variant (also known as c.6317A>T), located in coding exon 42 of the ATM gene, results from an A to T substitution at nucleotide position 6317. The asparagine at codon 2106 is replaced by isoleucine, an amino acid with dissimilar properties. This amino acid position is well conserved in available vertebrate species. In addition, the in silico prediction for this alteration is inconclusive. Based on the available evidence, the clinical significance of this variant remains unclear.

GeneDx
Classification: Uncertain significance. Last evaluated: 2024-02-09. Review status: criteria provided, single submitter. Criteria: GeneDx Variant Classification Process June 2021. Collection method: clinical testing. Allele origin: germline. Affected: yes.
Comment: Not observed at significant frequency in large population cohorts (gnomAD); In silico analysis supports that this missense variant has a deleterious effect on protein structure/function; Has not been previously published as pathogenic or benign to our knowledge; This variant is associated with the following publications: (PMID: 23532176)

Color Diagnostics, LLC DBA Color Health
Classification: Uncertain significance for Hereditary cancer-predisposing syndrome. Last evaluated: 2020-05-26. Review status: criteria provided, single submitter. Criteria: ACMG Guidelines, 2015. Collection method: clinical testing. Allele origin: germline.
Comment: This missense variant replaces asparagine with isoleucine at codon 2106 of the ATM protein. Computational prediction is inconclusive regarding the impact of this variant on protein structure and function (internally defined REVEL score threshold 0.5 < inconclusive < 0.7, PMID: 27666373). To our knowledge, functional studies have not been reported for this variant. This variant has not been reported in individuals affected with hereditary cancer in the literature. This variant has been identified in 1/251304 chromosomes in the general population by the Genome Aggregation Database (gnomAD). The available evidence is insufficient to determine the role of this variant in disease conclusively. Therefore, this variant is classified as a Variant of Uncertain Significance.

Natera, Inc.
Classification: Uncertain significance for Ataxia-telangiectasia. Last evaluated: 2021-02-17. Review status: no assertion criteria provided. Collection method: clinical testing. Allele origin: germline. Not counted in ClinVar's aggregate classification.

NM_000051.4(ATM):c.6317A>T (p.Asn2106Ile)

Genes: ATM (ATM serine/threonine kinase; plus strand), C11orf65 (chromosome 11 open reading frame 65; minus strand). Cytogenetic location: 11q22.3.
Variant type: single nucleotide variant.
Coding change: c.6317A>T on transcript NM_000051.4 (MANE Select); coding-DNA position 6317, A replaced by T.
Protein change: p.Asn2106Ile; replaces asparagine 2106 with isoleucine.
Molecular consequence: missense variant. On other transcripts: intron variant (2).
Genome position (GRCh38, 1-based): chr11:108,317,491, A>T. VCF-style: chr11-108317491-A-T. GRCh37 (hg19) VCF-style: chr11-108188218-A-T.
Other names: c.641-8420T>A (NM_001330368.2); c.*39-8420T>A (NM_001351110.2); c.6317A>T, p.Asn2106Ile (NM_001351834.2); short protein forms N2106I.
Identifiers: ClinVar variation 135768 (VCV000135768.32), dbSNP rs587780633, ClinGen allele CA332345.